The following is an entry in ClinVar:

NM_005585.5(SMAD6):c.775G>C (p.Val259Leu)

Gene: SMAD6 (SMAD family member 6; plus strand). Cytogenetic location: 15q22.31.
Variant type: single nucleotide variant.
Coding change: c.775G>C on transcript NM_005585.5 (MANE Select); coding-DNA position 775, G replaced by C.
Protein change: p.Val259Leu; replaces valine 259 with leucine.
Molecular consequence: missense variant. On other transcripts: non-coding transcript variant (1).
Genome position (GRCh38, 1-based): chr15:66,704,033, G>C. VCF-style: chr15-66704033-G-C. GRCh37 (hg19) VCF-style: chr15-66996371-G-C.
Other names: short protein forms V259L.
Identifiers: ClinVar variation 4170074 (VCV004170074.2).

ClinVar aggregate classification (germline): Uncertain significance. Review status: criteria provided, multiple submitters, no conflicts (2 of 4 stars). 2 submissions from 2 submitters: Uncertain significance (2). Last evaluated 2025-10-06.

Conditions:
Inborn genetic diseases. Identifiers: MedGen C0950123, MeSH D030342.
Aortic valve disease 2 (AOVD2). Identifiers: MedGen C3542024, MONDO:0013902, OMIM 614823.

Submissions (2):

Labcorp Genetics (formerly Invitae), Labcorp
Classification: Uncertain significance for Aortic valve disease 2. Last evaluated: 2025-10-06. Review status: criteria provided, single submitter. Criteria: Invitae Variant Classification Sherloc (09022015). Collection method: clinical testing. Allele origin: germline.
Comment: This sequence change replaces valine, which is neutral and non-polar, with leucine, which is neutral and non-polar, at codon 259 of the SMAD6 protein (p.Val259Leu). This variant is not present in population databases (gnomAD no frequency). This variant has not been reported in the literature in individuals affected with SMAD6-related conditions. Invitae Evidence Modeling of protein sequence and biophysical properties (such as structural, functional, and spatial information, amino acid conservation, physicochemical variation, residue mobility, and thermodynamic stability) indicates that this missense variant is not expected to disrupt SMAD6 protein function with a negative predictive value of 80%. In summary, the available evidence is currently insufficient to determine the role of this variant in disease. Therefore, it has been classified as a Variant of Uncertain Significance.

Ambry Genetics
Classification: Uncertain significance for Inborn genetic diseases. Last evaluated: 2025-08-03. Review status: criteria provided, single submitter. Criteria: Ambry Variant Classification Scheme 2023. Collection method: clinical testing. Allele origin: germline.
Comment: The p.V259L variant (also known as c.775G>C), located in coding exon 1 of the SMAD6 gene, results from a G to C substitution at nucleotide position 775. The valine at codon 259 is replaced by leucine, an amino acid with highly similar properties. This amino acid position is conserved. In addition, this alteration is predicted to be tolerated by in silico analysis. Based on the available evidence, the clinical significance of this variant remains unclear.